The following is an entry in ClinVar:

NC_000003.12:g.169764879C>G

Genes: TERC (telomerase RNA component; minus strand), LOC110806306 (telomerase RNA component (TERC) promoter; plus strand). Cytogenetic location: 3q26.2.
Variant type: single nucleotide variant.
Genome position: GRCh38 VCF-style: chr3-169764879-C-G. GRCh37 (hg19) VCF-style: chr3-169482667-C-G.
Identifiers: ClinVar variation 933281 (VCV000933281.36), dbSNP rs1777962078, ClinGen allele CA436715503.
Genomic context (GRCh38, chr3:169,764,879, plus strand): 5'-GTTCGGGGGCTGGGCAGGCGACCCGCCGCAGGTCCCCGGGAGGGGCGAACGGGCCAGCAG[C>G]TGACATTTTTTGTTTGCTCTAGAATGAACGGTGGAAGGCGGCAGGCCGAGGCTTTTCCGC-3'

ClinVar aggregate classification (germline): Conflicting classifications of pathogenicity. Review status: criteria provided, conflicting classifications (1 of 4 stars). 3 submissions from 3 submitters: Pathogenic (1); Uncertain significance (1). 1 of the submissions does not count toward it. Last evaluated 2025-08-05.

Conditions:
Pulmonary fibrosis. Identifiers: MedGen C0034069, MONDO:0002771, HP:0002206.
TERC-related disorder. Also called: TERC-related condition.
Dyskeratosis congenita, autosomal dominant 1 (DKCA1). Also called: Dyskeratosis congenita Scoggins type. Identifiers: Orphanet 1775, MedGen C4551974, MONDO:0007485, OMIM 127550. Inheritance: Variable.

Submissions (3):

Labcorp Genetics (formerly Invitae), Labcorp
Classification: Uncertain significance for Dyskeratosis congenita, autosomal dominant 1. Last evaluated: 2025-08-05. Review status: criteria provided, single submitter. Criteria: Invitae Variant Classification Sherloc (09022015). Collection method: clinical testing. Allele origin: germline.
Comment: This variant occurs in the TERC gene, which encodes an RNA molecule that does not result in a protein product. This variant is not present in population databases (gnomAD no frequency). This variant has been observed in individual(s) with clinical features of TERC-related conditions (PMID: 26169663, 27540018). ClinVar contains an entry for this variant (Variation ID: 933281). This variant is located within the template/pseudoknot domain of the TERC RNA component, which is required for RNA or RNP stability (PMID: 15082312, 21844345). This variant is located in a region of TERC in which a significant number of disease causing variants have been reported (PMID: 15082312, 21844345, 21931702). These observations suggest that this may be a clinically significant region. In summary, the available evidence is currently insufficient to determine the role of this variant in disease. Therefore, it has been classified as a Variant of Uncertain Significance.

Blueprint Genetics
Classification: Pathogenic for TERC-related disorders. Last evaluated: 2022-08-22. Review status: criteria provided, single submitter. Criteria: ACMG Guidelines, 2015. Collection method: clinical testing. Allele origin: germline. Affected: yes. Observed: 4 variant alleles.

Garcia Pulmonary Genetics Research Laboratory, Columbia University Irving Medical Center
Classification: Likely risk allele for Pulmonary fibrosis. Last evaluated: 2022-06-09. Review status: no assertion criteria provided. Collection method: research. Allele origin: germline. Affected: yes. Not counted in ClinVar's aggregate classification.
Comment: Leukocyte telomere length (by qPCR) less than 10th percentile age-adjusted

Literature cited by the submitters: PubMed 26169663 (cited by Labcorp Genetics (formerly Invitae), Labcorp); PubMed 27540018 (cited by Labcorp Genetics (formerly Invitae), Labcorp); PubMed 15082312 (cited by Labcorp Genetics (formerly Invitae), Labcorp); PubMed 21844345 (cited by Labcorp Genetics (formerly Invitae), Labcorp); PubMed 21931702 (cited by Labcorp Genetics (formerly Invitae), Labcorp).